The following is an entry in ClinVar:

ClinVar aggregate classification (germline): Uncertain significance (1 of 4 stars; one submission).

Allele frequency attached by ClinVar (database versions not stated): gnomAD exomes below 0.00001.
gnomAD v4.1: 1 of 991,448 alleles (0.0001%); highest among the groups gnomAD compares: Non-Finnish European, 0.00016%; no homozygotes.

Submission:

Women's Health and Genetics/Laboratory Corporation of America, LabCorp
Classification: Uncertain significance. Last evaluated: 2016-04-08. Review status: criteria provided, single submitter. Criteria: LabCorp Variant Classification Summary - May 2015. Collection method: clinical testing. Allele origin: germline.
Comment: Variant summary: The c.*115A>C variant affects a moderately conserved nucleotide, resulting in 3-prime UTR change. The variant is located within the known polyA tail, thus it is expected to alter mRNA expression. Other changes at polyA tail, such as c.*110T>C and c.*110_*111delTA, have been evaluated as pathogenic/likely pathogenic by our lab. This variant is not found in approximately 121150 control chromosomes from the broad and large populations of ExAC. The variant of interest has not, to our knowledge, been reported in affected individuals via publications and/or reputable databases/clinical laboratories, nor evaluated for functional impact by in vivo/vitro studies. Due to the lack of clinical information and functional studies, the variant has currently been classified as a Variant of Uncertain Significance until more information becomes available.

NM_000518.5(HBB):c.*115A>C

Genes: HBB (hemoglobin subunit beta; minus strand), LOC107133510 (origin of replication at HBB; plus strand), LOC110006319 (beta-globin gene 3' regulatory region; plus strand). Cytogenetic location: 11p15.4.
Variant type: single nucleotide variant.
Coding change: c.*115A>C on transcript NM_000518.5 (MANE Select); 115 bases downstream of the stop codon, A replaced by C.
Molecular consequence: 3 prime UTR variant.
Genome position (GRCh38, 1-based): chr11:5,225,483, T>G on the plus strand (A>C on the coding strand, the complement: HBB is on the minus strand). VCF-style: chr11-5225483-T-G. GRCh37 (hg19) VCF-style: chr11-5246713-T-G.
Identifiers: ClinVar variation 495967 (VCV000495967.1), dbSNP rs1554917417, ClinGen allele CA658683668.